The following is an entry in ClinVar:

ClinVar aggregate classification (germline): Uncertain significance (1 of 4 stars; one submission).

gnomAD v4.1: 1 of 1,567,770 alleles (0.000064%); highest among the groups gnomAD compares: Non-Finnish European, 0.000088%; no homozygotes.

Submission:

CeGaT Center for Human Genetics Tuebingen
Classification: Uncertain significance. Last evaluated: 2025-09-01. Review status: criteria provided, single submitter. Criteria: CeGaT Center For Human Genetics Tuebingen Variant Classification Criteria Version 2. Collection method: clinical testing. Allele origin: germline. Affected: yes. Observed: 1 variant allele.
Comment: FIG4: PM2

NM_014845.6(FIG4):c.2449A>T (p.Ile817Phe)

Gene: FIG4 (FIG4 phosphoinositide 5-phosphatase; plus strand). Cytogenetic location: 6q21.
Variant type: single nucleotide variant.
Coding change: c.2449A>T on transcript NM_014845.6 (MANE Select); coding-DNA position 2449, A replaced by T.
Protein change: p.Ile817Phe; replaces isoleucine 817 with phenylalanine.
Molecular consequence: missense variant.
Genome position (GRCh38, 1-based): chr6:109,792,654, A>T. VCF-style: chr6-109792654-A-T. GRCh37 (hg19) VCF-style: chr6-110113857-A-T.
Other names: short protein forms I817F.
Identifiers: ClinVar variation 4281101 (VCV004281101.7).